The following is an entry in ClinVar:

ClinVar aggregate classification (germline): Uncertain significance (1 of 4 stars; one submission).

Conditions:
Catecholaminergic polymorphic ventricular tachycardia 1. Also called: VENTRICULAR TACHYCARDIA, CATECHOLAMINERGIC POLYMORPHIC, 1, WITH OR WITHOUT ATRIAL DYSFUNCTION AND/OR DILATED CARDIOMYOPATHY; VENTRICULAR TACHYCARDIA, STRESS-INDUCED POLYMORPHIC 1; RYR2-Related Catecholaminergic Polymorphic Ventricular Tachycardia. Identifiers: Orphanet 3286, MedGen C1631597, MONDO:0011484, OMIM 604772.

Submission:

Labcorp Genetics (formerly Invitae), Labcorp
Classification: Uncertain significance for Catecholaminergic polymorphic ventricular tachycardia 1. Last evaluated: 2023-04-08. Review status: criteria provided, single submitter. Criteria: Invitae Variant Classification Sherloc (09022015). Collection method: clinical testing. Allele origin: germline.
Comment: In summary, the available evidence is currently insufficient to determine the role of this variant in disease. Therefore, it has been classified as a Variant of Uncertain Significance. Advanced modeling of protein sequence and biophysical properties (such as structural, functional, and spatial information, amino acid conservation, physicochemical variation, residue mobility, and thermodynamic stability) performed at Invitae indicates that this missense variant is expected to disrupt RYR2 protein function. ClinVar contains an entry for this variant (Variation ID: 1388381). This variant has not been reported in the literature in individuals affected with RYR2-related conditions. This variant is not present in population databases (gnomAD no frequency). This sequence change replaces leucine, which is neutral and non-polar, with tryptophan, which is neutral and slightly polar, at codon 306 of the RYR2 protein (p.Leu306Trp).

NM_001035.3(RYR2):c.917T>G (p.Leu306Trp)

Gene: RYR2 (ryanodine receptor 2; plus strand). Cytogenetic location: 1q43.
Variant type: single nucleotide variant.
Coding change: c.917T>G on transcript NM_001035.3 (MANE Select); coding-DNA position 917, T replaced by G.
Protein change: p.Leu306Trp; replaces leucine 306 with tryptophan.
Molecular consequence: missense variant.
Genome position (GRCh38, 1-based): chr1:237,423,160, T>G. VCF-style: chr1-237423160-T-G. GRCh37 (hg19) VCF-style: chr1-237586460-T-G.
Other names: short protein forms L306W.
Identifiers: ClinVar variation 1388381 (VCV001388381.9), dbSNP rs2150058362, ClinGen allele CA345385340.